The following is an entry in ClinVar:

NM_017950.4(CCDC40):c.1780G>C (p.Glu594Gln)

Gene: CCDC40 (coiled-coil domain 40 molecular ruler complex subunit; plus strand). Cytogenetic location: 17q25.3.
Variant type: single nucleotide variant.
Coding change: c.1780G>C on transcript NM_017950.4 (MANE Select); coding-DNA position 1780, G replaced by C.
Protein change: p.Glu594Gln; replaces glutamic acid 594 with glutamine.
Molecular consequence: missense variant.
Genome position (GRCh38, 1-based): chr17:80,081,763, G>C. VCF-style: chr17-80081763-G-C. GRCh37 (hg19) VCF-style: chr17-78055562-G-C.
Other names: c.1780G>C, p.Glu594Gln (NM_001243342.2); short protein forms E594Q.
Identifiers: ClinVar variation 1055678 (VCV001055678.9), dbSNP rs1314509837, ClinGen allele CA401338029.
Genomic context (GRCh38, chr17:80,081,763, plus strand): 5'-ACCAAGCAGGTGGCCCTGCAGAGCCAGTTCAATACCTACAGGCTCACCCTGCAGGACACA[G>C]AGGATGCCCTCAGCCAGGACCAGCTGGTGAGGCCGGGCCCGCCCCACAGGTCACACCTGG-3'
Protein context (NP_060420.2, residues 584-604): NTYRLTLQDT[Glu594Gln]DALSQDQLEQ

ClinVar aggregate classification (germline): Uncertain significance (1 of 4 stars; one submission).

Conditions:
Primary ciliary dyskinesia. Also called: Ciliary dyskinesia. Identifiers: Orphanet 244, MedGen C0008780, MONDO:0016575, HP:0012265.

Allele frequency attached by ClinVar (database versions not stated): gnomAD exomes below 0.00001; TOPMed 0.00001.
gnomAD v4.1: 2 of 1,614,076 alleles (0.00012%); highest among the groups gnomAD compares: Non-Finnish European, 0.00017%; no homozygotes.

Submission:

Labcorp Genetics (formerly Invitae), Labcorp
Classification: Uncertain significance for Primary ciliary dyskinesia. Last evaluated: 2020-07-08. Review status: criteria provided, single submitter. Criteria: Invitae Variant Classification Sherloc (09022015). Collection method: clinical testing. Allele origin: germline.
Comment: Algorithms developed to predict the effect of missense changes on protein structure and function are either unavailable or do not agree on the potential impact of this missense change (SIFT: "Tolerated"; PolyPhen-2: "Possibly Damaging"; Align-GVGD: "Class C0"). This variant has not been reported in the literature in individuals with CCDC40-related conditions. This variant is not present in population databases (ExAC no frequency). This sequence change replaces glutamic acid with glutamine at codon 594 of the CCDC40 protein (p.Glu594Gln). The glutamic acid residue is moderately conserved and there is a small physicochemical difference between glutamic acid and glutamine. In summary, the available evidence is currently insufficient to determine the role of this variant in disease. Therefore, it has been classified as a Variant of Uncertain Significance.